The following is an entry in ClinVar:

NM_033225.6(CSMD1):c.3000C>A (p.Thr1000=)

Gene: CSMD1 (CUB and Sushi multiple domains 1; minus strand). Cytogenetic location: 8p23.2.
Variant type: single nucleotide variant.
Coding change: c.3000C>A on transcript NM_033225.6 (MANE Select); coding-DNA position 3000, C replaced by A.
Protein change: p.Thr1000=; no amino-acid change (threonine 1000 retained).
Molecular consequence: synonymous variant.
Genome position (GRCh38, 1-based): chr8:3,367,147, G>T on the plus strand (C>A on the coding strand, the complement: CSMD1 is on the minus strand). VCF-style: chr8-3367147-G-T. GRCh37 (hg19) VCF-style: chr8-3224669-G-T.
Identifiers: ClinVar variation 3035357 (VCV003035357.2), dbSNP rs751657255, ClinGen allele CA459144664.

ClinVar aggregate classification (germline): Likely benign (0 of 4 stars; one submission).

Conditions:
CSMD1-related disorder. Also called: CSMD1-related condition.

gnomAD v4.1: 2 of 1,613,618 alleles (0.00012%); highest among the groups gnomAD compares: Admixed American, 0.0017%; no homozygotes.

Submission:

PreventionGenetics, part of Exact Sciences
Classification: Likely benign for CSMD1-related condition. Last evaluated: 2019-07-30. Review status: no assertion criteria provided. Collection method: clinical testing. Allele origin: germline.
Comment: This variant is classified as likely benign based on ACMG/AMP sequence variant interpretation guidelines (Richards et al. 2015 PMID: 25741868, with internal and published modifications).